The following is an entry in ClinVar:

NM_002907.4(RECQL):c.59C>G (p.Ala20Gly)

Gene: RECQL (RecQ like helicase; minus strand). Cytogenetic location: 12p12.1.
Variant type: single nucleotide variant.
Coding change: c.59C>G on transcript NM_002907.4 (MANE Select); coding-DNA position 59, C replaced by G.
Protein change: p.Ala20Gly; replaces alanine 20 with glycine.
Molecular consequence: missense variant.
Genome position (GRCh38, 1-based): chr12:21,491,674, G>C on the plus strand (C>G on the coding strand, the complement: RECQL is on the minus strand). VCF-style: chr12-21491674-G-C. GRCh37 (hg19) VCF-style: chr12-21644608-G-C.
Other names: c.59C>G, p.Ala20Gly (NM_032941.3); short protein forms A20G.
Identifiers: ClinVar variation 1750958 (VCV001750958.3), dbSNP rs2540405718, ClinGen allele CA384134657.

ClinVar aggregate classification (germline): Uncertain significance (1 of 4 stars; one submission).

Submission:

Ambry Genetics
Classification: Uncertain significance. Last evaluated: 2025-05-02. Review status: criteria provided, single submitter. Criteria: Ambry Variant Classification Scheme 2023. Collection method: clinical testing. Allele origin: germline.
Comment: The p.A20G variant (also known as c.59C>G), located in coding exon 2 of the RECQL gene, results from a C to G substitution at nucleotide position 59. The alanine at codon 20 is replaced by glycine, an amino acid with similar properties. This amino acid position is conserved. In addition, the in silico prediction for this alteration is inconclusive. Since supporting evidence is limited at this time, the clinical significance of this alteration remains unclear.